The following is an entry in ClinVar:

NM_001323289.2(CDKL5):c.-174G>A

Gene: CDKL5 (cyclin dependent kinase like 5; plus strand). Cytogenetic location: Xp22.13.
Variant type: single nucleotide variant.
Coding change: c.-174G>A on transcript NM_001323289.2 (MANE Select); 174 bases upstream of the start codon, G replaced by A.
Molecular consequence: 5 prime UTR variant.
Genome position (GRCh38, 1-based): chrX:18,425,684, G>A. VCF-style: chrX-18425684-G-A. GRCh37 (hg19) VCF-style: chrX-18443804-G-A.
Other names: c.-174G>A (NM_003159.3).
Identifiers: ClinVar variation 509646 (VCV000509646.1), dbSNP rs1555928752, ClinGen allele CA658799585.
Genomic context (GRCh38, chrX:18,425,684, plus strand): 5'-GGGGAAGGTAAAGCGGCGACGGCGTCCTCAGGAGCTGTGGGGTCCCCTGCTAGAAGTGGG[G>A]GACTCGGCGGGGTGAGTAGTCGCGCCGCCACCCGCCCGCCAAGCCTTCTTACCCTTACAT-3'

ClinVar aggregate classification (germline): Likely benign (1 of 4 stars; one submission).

Submission:

GeneDx
Classification: Likely benign. Last evaluated: 2017-05-18. Review status: criteria provided, single submitter. Criteria: GeneDx Variant Classification (06012015). Collection method: clinical testing. Allele origin: germline. Affected: yes.
Comment: This variant is considered likely benign or benign based on one or more of the following criteria: it is a conservative change, it occurs at a poorly conserved position in the protein, it is predicted to be benign by multiple in silico algorithms, and/or has population frequency not consistent with disease.